The following is an entry in ClinVar:

ClinVar aggregate classification (germline): Uncertain significance (1 of 4 stars; one submission).

Allele frequency attached by ClinVar (database versions not stated): gnomAD exomes below 0.00001.
gnomAD v4.1: 2 of 1,614,042 alleles (0.00012%); highest among the groups gnomAD compares: Non-Finnish European, 0.000085%; no homozygotes.

Submission:

Labcorp Genetics (formerly Invitae), Labcorp
Classification: Uncertain significance. Last evaluated: 2023-10-03. Review status: criteria provided, single submitter. Criteria: Invitae Variant Classification Sherloc (09022015). Collection method: clinical testing. Allele origin: germline.
Comment: This sequence change falls in intron 13 of the AARS2 gene. It does not directly change the encoded amino acid sequence of the AARS2 protein. This variant is present in population databases (no rsID available, gnomAD 0.0009%). This variant has not been reported in the literature in individuals affected with AARS2-related conditions. ClinVar contains an entry for this variant (Variation ID: 1907052). Algorithms developed to predict the effect of sequence changes on RNA splicing suggest that this variant may create or strengthen a splice site. In summary, the available evidence is currently insufficient to determine the role of this variant in disease. Therefore, it has been classified as a Variant of Uncertain Significance.

NM_020745.4(AARS2):c.1867-11A>C

Gene: AARS2 (alanyl-tRNA synthetase 2, mitochondrial; minus strand). Cytogenetic location: 6p21.1.
Variant type: single nucleotide variant.
Coding change: c.1867-11A>C on transcript NM_020745.4 (MANE Select); 11 bases into the intron before coding-DNA position 1867, A replaced by C.
Molecular consequence: intron variant.
Genome position (GRCh38, 1-based): chr6:44,304,332, T>G on the plus strand (A>C on the coding strand, the complement: AARS2 is on the minus strand). VCF-style: chr6-44304332-T-G. GRCh37 (hg19) VCF-style: chr6-44272069-T-G.
Identifiers: ClinVar variation 1907052 (VCV001907052.5), dbSNP rs1367777812, ClinGen allele CA567154529.